The following is an entry in ClinVar:

ClinVar aggregate classification (germline): Uncertain significance. Review status: criteria provided, multiple submitters, no conflicts (2 of 4 stars). 7 submissions from 7 submitters: Uncertain significance (5). 2 of the submissions do not count toward it. Last evaluated 2026-01-05.

Conditions:
MYH7-related disorder. Also called: MYH7-related disorders; MYH7-related condition; MYH7-related disease.
Hypertrophic cardiomyopathy. Also called: HYPERTROPHIC MYOCARDIOPATHY. Identifiers: Orphanet 217569, MedGen C0007194, MeSH D002312, MONDO:0005045, HP:0001639.
Cardiovascular phenotype. Identifiers: MedGen CN230736.
Cardiomyopathy (CMYO). Also called: Cardiomyopathies. Identifiers: Orphanet 167848, MedGen C0878544, MONDO:0004994, HP:0001638. Inheritance: Various modes of inheritance.

Allele frequency attached by ClinVar (database versions not stated): gnomAD exomes below 0.00001.
gnomAD v4.1: 1 of 1,611,504 alleles (0.000062%); highest among the groups gnomAD compares: Non-Finnish European, 0.000085%; no homozygotes.

Submissions (7):

PreventionGenetics, part of Exact Sciences
Classification: Uncertain significance for MYH7-related condition. Last evaluated: 2026-01-05. Review status: criteria provided, single submitter. Criteria: ACMG Guidelines, 2015. Collection method: clinical testing. Allele origin: germline.
Comment: The MYH7 c.3635G>A variant is predicted to result in the amino acid substitution p.Arg1212Gln. To our knowledge, this variant has not been reported in the literature or in a large population database (gnomAD), indicating this variant is rare. At this time, the clinical significance of this variant is uncertain due to the absence of conclusive functional and genetic evidence.

Ambry Genetics
Classification: Uncertain significance for Cardiovascular phenotype. Last evaluated: 2025-11-20. Review status: criteria provided, single submitter. Criteria: Ambry Variant Classification Scheme 2023. Collection method: clinical testing. Allele origin: germline.
Comment: The p.R1212Q variant (also known as c.3635G>A), located in coding exon 25 of the MYH7 gene, results from a G to A substitution at nucleotide position 3635. The arginine at codon 1212 is replaced by glutamine, an amino acid with highly similar properties. This amino acid position is highly conserved in available vertebrate species. In addition, the in silico prediction for this alteration is inconclusive. Based on the available evidence, the clinical significance of this variant remains unclear.

Color Diagnostics, LLC DBA Color Health
Classification: Uncertain significance for Cardiomyopathy. Last evaluated: 2025-06-10. Review status: criteria provided, single submitter. Criteria: ACMG Guidelines, 2015. Collection method: clinical testing. Allele origin: germline.
Comment: This missense variant replaces arginine with glutamine at codon 1212 of the MYH7 protein. Computational prediction suggests that this variant may have a deleterious impact on protein structure and function. To our knowledge, functional studies have not been reported for this variant. This variant has been reported in an individual affected with left ventricular noncompaction (PMID: 39494597). This variant has not been identified in the general population by the Genome Aggregation Database (gnomAD). The available evidence is insufficient to determine the role of this variant in disease conclusively. Therefore, this variant is classified as a Variant of Uncertain Significance.

All of Us Research Program, National Institutes of Health
Classification: Uncertain significance for Cardiomyopathy. Last evaluated: 2024-06-11. Review status: criteria provided, single submitter. Criteria: ACMG Guidelines, 2015. Collection method: clinical testing. Allele origin: germline. Inheritance: Autosomal dominant inheritance. Observed: 1 variant allele, 1 heterozygote.
Comment: This study involves interpretation of variants in research participants for the purpose of population health screening. Participant phenotype was not available at the time of variant classification. Additional details can be found in publication PMID: 35346344, PMCID: PMC8962531

Labcorp Genetics (formerly Invitae), Labcorp
Classification: Uncertain significance for Hypertrophic cardiomyopathy. Last evaluated: 2019-10-03. Review status: criteria provided, single submitter. Criteria: Invitae Variant Classification Sherloc (09022015). Collection method: clinical testing. Allele origin: germline.
Comment: Algorithms developed to predict the effect of missense changes on protein structure and function are either unavailable or do not agree on the potential impact of this missense change (SIFT: "Deleterious"; PolyPhen-2: "Probably Damaging"; Align-GVGD: "Class C0"). In summary, the available evidence is currently insufficient to determine the role of this variant in disease. Therefore, it has been classified as a Variant of Uncertain Significance. This variant has not been reported in the literature in individuals with MYH7-related conditions. This variant is not present in population databases (ExAC no frequency). This sequence change replaces arginine with glutamine at codon 1212 of the MYH7 protein (p.Arg1212Gln). The arginine residue is highly conserved and there is a small physicochemical difference between arginine and glutamine.

Diagnostic Laboratory, Department of Genetics, University Medical Center Groningen
Classification: Uncertain significance. Review status: no assertion criteria provided. Collection method: clinical testing. Allele origin: germline. Affected: yes. Study: VKGL Data-share Consensus. Not counted in ClinVar's aggregate classification.

Joint Genome Diagnostic Labs from Nijmegen and Maastricht, Radboudumc and MUMC+
Classification: Uncertain significance. Review status: no assertion criteria provided. Collection method: clinical testing. Allele origin: germline. Affected: yes. Study: VKGL Data-share Consensus. Not counted in ClinVar's aggregate classification.

Literature cited by the submitters: PubMed 39494597 (cited by Color Diagnostics, LLC DBA Color Health).

NM_000257.4(MYH7):c.3635G>A (p.Arg1212Gln)

Gene: MYH7 (myosin heavy chain 7; minus strand). Cytogenetic location: 14q11.2.
Variant type: single nucleotide variant.
Coding change: c.3635G>A on transcript NM_000257.4 (MANE Select); coding-DNA position 3635, G replaced by A.
Protein change: p.Arg1212Gln; replaces arginine 1212 with glutamine.
Molecular consequence: missense variant.
Genome position (GRCh38, 1-based): chr14:23,419,936, C>T on the plus strand (G>A on the coding strand, the complement: MYH7 is on the minus strand). VCF-style: chr14-23419936-C-T. GRCh37 (hg19) VCF-style: chr14-23889145-C-T.
Other names: short protein forms R1212Q.
Identifiers: ClinVar variation 970618 (VCV000970618.17), dbSNP rs1892401372, ClinGen allele CA389043219.